The following is an entry in ClinVar:

ClinVar aggregate classification (germline): Uncertain significance (1 of 4 stars; one submission).

Conditions:
Gorlin syndrome. Also called: Nevoid Basal Cell Carcinoma Syndrome; Basal cell nevus syndrome. Identifiers: Orphanet 377, MedGen C0004779, MONDO:0007187.

gnomAD v4.1: 2 of 1,613,840 alleles (0.00012%); highest among the groups gnomAD compares: Non-Finnish European, 0.00017%; no homozygotes.

Submission:

Labcorp Genetics (formerly Invitae), Labcorp
Classification: Uncertain significance for Gorlin syndrome. Last evaluated: 2024-08-19. Review status: criteria provided, single submitter. Criteria: Invitae Variant Classification Sherloc (09022015). Collection method: clinical testing. Allele origin: germline.
Comment: This sequence change replaces valine, which is neutral and non-polar, with alanine, which is neutral and non-polar, at codon 1094 of the PTCH1 protein (p.Val1094Ala). This variant is not present in population databases (gnomAD no frequency). This variant has not been reported in the literature in individuals affected with PTCH1-related conditions. Invitae Evidence Modeling of protein sequence and biophysical properties (such as structural, functional, and spatial information, amino acid conservation, physicochemical variation, residue mobility, and thermodynamic stability) indicates that this missense variant is not expected to disrupt PTCH1 protein function with a negative predictive value of 95%. In summary, the available evidence is currently insufficient to determine the role of this variant in disease. Therefore, it has been classified as a Variant of Uncertain Significance.

NM_000264.5(PTCH1):c.3281T>C (p.Val1094Ala)

Gene: PTCH1 (patched 1; minus strand). Cytogenetic location: 9q22.32.
Variant type: single nucleotide variant.
Coding change: c.3281T>C on transcript NM_000264.5 (MANE Select); coding-DNA position 3281, T replaced by C.
Protein change: p.Val1094Ala; replaces valine 1094 with alanine.
Molecular consequence: missense variant. On other transcripts: non-coding transcript variant (1).
Genome position (GRCh38, 1-based): chr9:95,456,301, A>G on the plus strand (T>C on the coding strand, the complement: PTCH1 is on the minus strand). VCF-style: chr9-95456301-A-G. GRCh37 (hg19) VCF-style: chr9-98218583-A-G.
Other names: c.3278T>C, p.Val1093Ala (NM_001083603.3); c.3083T>C, p.Val1028Ala (NM_001083602.3); c.2828T>C, p.Val943Ala (NM_001083604.3, NM_001083605.3, NM_001083606.3 and 1 more transcripts); c.3125T>C, p.Val1042Ala (NM_001354918.2); short protein forms V1028A, V1093A, V943A, V1042A, V1094A.
Identifiers: ClinVar variation 3630199 (VCV003630199.2).